The following is an entry in ClinVar:

NM_001035.3(RYR2):c.2293A>C (p.Ser765Arg)

Gene: RYR2 (ryanodine receptor 2; plus strand). Cytogenetic location: 1q43.
Variant type: single nucleotide variant.
Coding change: c.2293A>C on transcript NM_001035.3 (MANE Select); coding-DNA position 2293, A replaced by C.
Protein change: p.Ser765Arg; replaces serine 765 with arginine.
Molecular consequence: missense variant.
Genome position (GRCh38, 1-based): chr1:237,500,800, A>C. VCF-style: chr1-237500800-A-C. GRCh37 (hg19) VCF-style: chr1-237664100-A-C.
Other names: c.2293A>C (NM_001035.2); short protein forms S765R.
Identifiers: ClinVar variation 923805 (VCV000923805.12), dbSNP rs748603282, ClinGen allele CA39828544.

ClinVar aggregate classification (germline): Uncertain significance. Review status: criteria provided, multiple submitters, no conflicts (2 of 4 stars). 5 submissions from 5 submitters: Uncertain significance (5). Last evaluated 2025-12-16.

Conditions:
Cardiovascular phenotype. Identifiers: MedGen CN230736.
Catecholaminergic polymorphic ventricular tachycardia (CVPT). Also called: Catecholamine-induced polymorphic ventricular tachycardia. Identifiers: Orphanet 3286, MedGen C5574922, MONDO:0017990.
Cardiomyopathy (CMYO). Also called: Cardiomyopathies. Identifiers: Orphanet 167848, MedGen C0878544, MONDO:0004994, HP:0001638. Inheritance: Various modes of inheritance.
Catecholaminergic polymorphic ventricular tachycardia 1. Also called: VENTRICULAR TACHYCARDIA, CATECHOLAMINERGIC POLYMORPHIC, 1, WITH OR WITHOUT ATRIAL DYSFUNCTION AND/OR DILATED CARDIOMYOPATHY; RYR2-Related Catecholaminergic Polymorphic Ventricular Tachycardia; VENTRICULAR TACHYCARDIA, STRESS-INDUCED POLYMORPHIC 1. Identifiers: Orphanet 3286, MedGen C1631597, MONDO:0011484, OMIM 604772.

Allele frequency attached by ClinVar (database versions not stated): TOPMed 0.00001.
gnomAD v4.1: 19 of 1,614,018 alleles (0.0012%); highest among the groups gnomAD compares: Non-Finnish European, 0.0016%; no homozygotes.

Submissions (5):

Labcorp Genetics (formerly Invitae), Labcorp
Classification: Uncertain significance for Catecholaminergic polymorphic ventricular tachycardia 1. Last evaluated: 2025-12-16. Review status: criteria provided, single submitter. Criteria: Invitae Variant Classification Sherloc (09022015). Collection method: clinical testing. Allele origin: germline.
Comment: This sequence change replaces serine, which is neutral and polar, with arginine, which is basic and polar, at codon 765 of the RYR2 protein (p.Ser765Arg). This variant is present in population databases (rs748603282, gnomAD 0.0009%). This missense change has been observed in individual(s) with RYR2-related conditions (PMID: 26771585). ClinVar contains an entry for this variant (Variation ID: 923805). Invitae Evidence Modeling of protein sequence and biophysical properties (such as structural, functional, and spatial information, amino acid conservation, physicochemical variation, residue mobility, and thermodynamic stability) indicates that this missense variant is not expected to disrupt RYR2 protein function with a negative predictive value of 95%. In summary, the available evidence is currently insufficient to determine the role of this variant in disease. Therefore, it has been classified as a Variant of Uncertain Significance.

Color Diagnostics, LLC DBA Color Health
Classification: Uncertain significance for Cardiomyopathy. Last evaluated: 2025-09-04. Review status: criteria provided, single submitter. Criteria: ACMG Guidelines, 2015. Collection method: clinical testing. Allele origin: germline.
Comment: This missense variant replaces serine with arginine at codon 765 of the RYR2 protein. Computational prediction is inconclusive regarding the impact of this variant on protein structure and function. To our knowledge, functional studies have not been reported for this variant. This variant has been reported in an individual affected with congenital heart block (PMID: 26771585). This variant has been identified in 2/249268 chromosomes in the general population by the Genome Aggregation Database (gnomAD). The available evidence is insufficient to determine the role of this variant in disease conclusively. Therefore, this variant is classified as a Variant of Uncertain Significance.

ARUP Laboratories, Molecular Genetics and Genomics, ARUP Laboratories
Classification: Uncertain significance. Last evaluated: 2025-04-24. Review status: criteria provided, single submitter. Criteria: ARUP Molecular Germline Variant Investigation Process 2024. Collection method: clinical testing. Allele origin: germline.
Comment: The RYR2 c.2293A>C; p.Ser765Arg variant (rs748603282, ClinVar Variation ID: 923805) is reported in the literature in an individual from a cohort of subjects with pacemaker implantation (Celestino-Soper 2015). This variant is only observed on two alleles in the Genome Aggregation Database (v2.1.1), indicating it is not a common polymorphism. Computational analyses are uncertain whether this variant is neutral or deleterious (REVEL: 0.643). However, given the lack of clinical and functional data, the significance of this variant is uncertain at this time. References: Celestino-Soper PB et al. Evaluation of the Genetic Basis of Familial Aggregation of Pacemaker Implantation by a Large Next Generation Sequencing Panel. PLoS One. 2015 Dec 4;10(12):e0143588. PMID: 26636822.

Ambry Genetics
Classification: Uncertain significance for Cardiovascular phenotype. Last evaluated: 2024-02-29. Review status: criteria provided, single submitter. Criteria: Ambry Variant Classification Scheme 2023. Collection method: clinical testing. Allele origin: germline.
Comment: The p.S765R variant (also known as c.2293A>C), located in coding exon 21 of the RYR2 gene, results from an A to C substitution at nucleotide position 2293. The serine at codon 765 is replaced by arginine, an amino acid with dissimilar properties. This alteration has been reported in a cohort of subjects with pacemaker implantation (Celestino-Soper PB et al. PLoS ONE, 2016 Jan;11:e0147455). This amino acid position is highly conserved in available vertebrate species. In addition, the in silico prediction for this alteration is inconclusive. Based on the available evidence, the clinical significance of this alteration remains unclear.

All of Us Research Program, National Institutes of Health
Classification: Uncertain significance for Catecholaminergic polymorphic ventricular tachycardia. Last evaluated: 2023-12-01. Review status: criteria provided, single submitter. Criteria: ACMG Guidelines, 2015. Collection method: clinical testing. Allele origin: germline. Inheritance: Autosomal dominant inheritance. Observed: 2 variant alleles, 2 heterozygotes.
Comment: This missense variant replaces serine with arginine at codon 765 of the RYR2 protein. Computational prediction is inconclusive regarding the impact of this variant on protein structure and function (internally defined REVEL score threshold 0.5 < inconclusive < 0.7, PMID: 27666373). To our knowledge, functional studies have not been reported for this variant. This variant has not been reported in individuals affected with cardiovascular disorders in the literature. This variant has been identified in 2/249268 chromosomes in the general population by the Genome Aggregation Database (gnomAD). The available evidence is insufficient to determine the role of this variant in disease conclusively. Therefore, this variant is classified as a Variant of Uncertain Significance.

This study involves interpretation of variants in research participants for the purpose of population health screening. Participant phenotype was not available at the time of variant classification. Additional details can be found in publication PMID: 35346344, PMCID: PMC8962531

Literature cited by the submitters: PubMed 26771585 (cited by Labcorp Genetics (formerly Invitae), Labcorp and Color Diagnostics, LLC DBA Color Health); PubMed 26636822 (cited by Ambry Genetics).